The following is an entry in ClinVar:

ClinVar aggregate classification (germline): Likely benign (1 of 4 stars; one submission).

Conditions:
COL1A2-related disorder. Also called: COL1A2-related condition; COL1A2-Related Disorders.

gnomAD v4.1: 3 of 1,610,972 alleles (0.00019%); highest among the groups gnomAD compares: East Asian, 0.0045%; no homozygotes.

Submission:

PreventionGenetics, part of Exact Sciences
Classification: Likely benign for COL1A2-related condition. Last evaluated: 2024-12-13. Review status: criteria provided, single submitter. Criteria: ACMG Guidelines, 2015. Collection method: clinical testing. Allele origin: germline.
Comment: This variant is classified as likely benign based on ACMG/AMP sequence variant interpretation guidelines (Richards et al. 2015 PMID: 25741868, with internal and published modifications).

NM_000089.4(COL1A2):c.3712-9T>C

Gene: COL1A2 (collagen type I alpha 2 chain; plus strand). Cytogenetic location: 7q21.3.
Variant type: single nucleotide variant.
Coding change: c.3712-9T>C on transcript NM_000089.4 (MANE Select); 9 bases into the intron before coding-DNA position 3712, T replaced by C.
Molecular consequence: intron variant.
Genome position (GRCh38, 1-based): chr7:94,429,179, T>C. VCF-style: chr7-94429179-T-C. GRCh37 (hg19) VCF-style: chr7-94058491-T-C.
Identifiers: ClinVar variation 4982816 (VCV004982816.1).